The following is an entry in ClinVar:

ClinVar aggregate classification (germline): Uncertain significance (1 of 4 stars; one submission).

Submission:

GeneDx
Classification: Uncertain significance. Last evaluated: 2021-06-16. Review status: criteria provided, single submitter. Criteria: GeneDx Variant Classification Process June 2021. Collection method: clinical testing. Allele origin: germline. Affected: yes.
Comment: Not observed at significant frequency in large population cohorts (Lek et al., 2016); In silico analysis supports that this missense variant does not alter protein structure/function; Has not been previously published as pathogenic or benign to our knowledge; This variant is associated with the following publications: (PMID: 27535533)

NM_001039591.3(USP9X):c.3176C>T (p.Ala1059Val)

Gene: USP9X (ubiquitin specific peptidase 9 X-linked; plus strand). Cytogenetic location: Xp11.4.
Variant type: single nucleotide variant.
Coding change: c.3176C>T on transcript NM_001039591.3 (MANE Select); coding-DNA position 3176, C replaced by T.
Protein change: p.Ala1059Val; replaces alanine 1059 with valine.
Molecular consequence: missense variant.
Genome position (GRCh38, 1-based): chrX:41,184,025, C>T. VCF-style: chrX-41184025-C-T. GRCh37 (hg19) VCF-style: chrX-41043278-C-T.
Other names: c.3176C>T, p.Ala1059Val (NM_001039590.3); short protein forms A1059V.
Identifiers: ClinVar variation 1328749 (VCV001328749.2), dbSNP rs759926021, ClinGen allele CA10388669.
Genomic context (GRCh38, chrX:41,184,025, plus strand): 5'-TACATTTTCACACTGTCTCTTTTTTTCCTCCAGATAGCACAACGATAGAAAAATTAAGAG[C>T]TATTTGTTTAGACCATGCCAAACTTGGAGAAAGCAGCCTTAGTCCATCTCTTGACTCACT-3'
Protein context (NP_001034680.2, residues 1049-1069): PDSTTIEKLR[Ala1059Val]ICLDHAKLGE